The following is an entry in ClinVar:

ClinVar aggregate classification (germline): Likely pathogenic (1 of 4 stars; one submission).

Conditions:
NR2E3-related disorder. Also called: NR2E3-related condition; NR2E3-related disorders. Identifiers: MedGen CN239387.

Submission:

PreventionGenetics, part of Exact Sciences
Classification: Likely pathogenic for NR2E3-related condition. Last evaluated: 2023-05-02. Review status: criteria provided, single submitter. Criteria: ACMG Guidelines, 2015. Collection method: clinical testing. Allele origin: germline.
Comment: The NR2E3 c.195_202del8 variant is predicted to result in a frameshift and premature protein termination (p.Asn65Lysfs*73). To our knowledge, this variant has not been reported in the literature or in a large population database, indicating this variant is rare. Frameshift variants in NR2E3 are expected to be pathogenic. This variant is interpreted as likely pathogenic.

NM_014249.4(NR2E3):c.195_202del (p.Asn65fs)

Gene: NR2E3 (nuclear receptor subfamily 2 group E member 3; plus strand). Cytogenetic location: 15q23.
Variant type: Deletion.
Coding change: c.195_202del on transcript NM_014249.4 (MANE Select); coding-DNA positions 195 to 202, 8 bases deleted (CGGCTGCA; older notation c.195_202delCGGCTGCA).
Protein change: p.Asn65fs; shifts the reading frame from asparagine 65.
Molecular consequence: frameshift variant.
Genome position (GRCh38, 1-based): chr15:71,811,559-71,811,566, CGGCTGCA deleted; deleting any 8 consecutive bases within chr15:71,811,558-71,811,566 gives the same sequence; the c. name uses the placement nearest the transcript's 3' end. VCF-style (leftmost placement, unchanged base first): chr15-71811557-AACGGCTGC-A. GRCh37 (hg19) VCF-style: chr15-72103897-AACGGCTGC-A.
Other names: c.195_202del, p.Asn65fs (NM_016346.4); short protein forms N65fs.
Identifiers: ClinVar variation 2632879 (VCV002632879.1), dbSNP rs2543253260, ClinGen allele CA2695197298.
Genomic context (GRCh38, chr15:71,811,557, plus strand): 5'-CTCCAGTGCCGCGTGTGCGGAGACAGCAGCAGCGGGAAGCACTATGGCATCTATGCCTGC[AACGGCTGC>A]AGCGGCTTCTTCAAGAGGAGCGTACGGCGGAGGCTCATCTACAGGTGAGTGCGGTGGGCC-3'